The following is an entry in ClinVar:

NM_000179.3(MSH6):c.2760G>C (p.Lys920Asn)

Gene: MSH6 (mutS homolog 6; plus strand). Cytogenetic location: 2p16.3.
Variant type: single nucleotide variant.
Coding change: c.2760G>C on transcript NM_000179.3 (MANE Select); coding-DNA position 2760, G replaced by C.
Protein change: p.Lys920Asn; replaces lysine 920 with asparagine.
Molecular consequence: missense variant.
Genome position (GRCh38, 1-based): chr2:47,800,743, G>C. VCF-style: chr2-47800743-G-C. GRCh37 (hg19) VCF-style: chr2-48027882-G-C.
Other names: c.2370G>C, p.Lys790Asn (NM_001281492.2); c.1854G>C, p.Lys618Asn (NM_001281493.2, NM_001281494.2); short protein forms K920N, K790N, K618N.
Identifiers: ClinVar variation 455219 (VCV000455219.9), dbSNP rs1553414113, ClinGen allele CA346755440.
Genomic context (GRCh38, chr2:47,800,743, plus strand): 5'-TCGTTTTCCTGATTTGACTGTAGAATTGAACCGATGGGATACAGCCTTTGACCATGAAAA[G>C]GCTCGAAAGACTGGACTTATTACTCCCAAAGCAGGCTTTGACTCTGATTATGACCAAGCT-3'
Protein context (NP_000170.1, residues 910-930): NRWDTAFDHE[Lys920Asn]ARKTGLITPK

ClinVar aggregate classification (germline): Uncertain significance (1 of 4 stars; one submission).

Conditions:
Hereditary nonpolyposis colorectal neoplasms. Identifiers: MedGen C0009405, MeSH D003123.

Submission:

Labcorp Genetics (formerly Invitae), Labcorp
Classification: Uncertain significance for Hereditary nonpolyposis colorectal neoplasms. Last evaluated: 2017-04-15. Review status: criteria provided, single submitter. Criteria: Invitae Variant Classification Sherloc (09022015). Collection method: clinical testing. Allele origin: germline.
Comment: In summary, this variant is a novel missense change with uncertain impact on protein function. It has been classified as a Variant of Uncertain Significance. Algorithms developed to predict the effect of missense changes on protein structure and function do not agree on the potential impact of this missense change (SIFT: "Deleterious"; PolyPhen-2: "Possibly Damaging"; Align-GVGD: "Class C0"). This variant is not present in population databases (ExAC no frequency) and has not been reported in the literature in individuals with a MSH6-related disease. This sequence change replaces lysine with asparagine at codon 920 of the MSH6 protein (p.Lys920Asn). The lysine residue is moderately conserved and there is a moderate physicochemical difference between lysine and asparagine.